The following is an entry in ClinVar:

ClinVar aggregate classification (germline): Uncertain significance (1 of 4 stars; one submission).

Allele frequency attached by ClinVar (database versions not stated): gnomAD 0.00001; gnomAD exomes 0.00001; 1000 Genomes Project 30x 0.00031; ExAC 0.00001; 1000 Genomes Project 0.00020.
gnomAD v4.1: 9 of 1,598,422 alleles (0.00056%); highest among the groups gnomAD compares: Admixed American, 0.015%; no homozygotes.

Submission:

Labcorp Genetics (formerly Invitae), Labcorp
Classification: Uncertain significance. Last evaluated: 2025-02-12. Review status: criteria provided, single submitter. Criteria: Invitae Variant Classification Sherloc (09022015). Collection method: clinical testing. Allele origin: germline.
Comment: This sequence change replaces glycine, which is neutral and non-polar, with aspartic acid, which is acidic and polar, at codon 197 of the TNNI3K protein (p.Gly197Asp). This variant is not present in population databases (gnomAD no frequency). This variant has not been reported in the literature in individuals affected with TNNI3K-related conditions. ClinVar contains an entry for this variant (Variation ID: 2894235). Invitae Evidence Modeling of protein sequence and biophysical properties (such as structural, functional, and spatial information, amino acid conservation, physicochemical variation, residue mobility, and thermodynamic stability) indicates that this missense variant is not expected to disrupt TNNI3K protein function with a negative predictive value of 80%. In summary, the available evidence is currently insufficient to determine the role of this variant in disease. Therefore, it has been classified as a Variant of Uncertain Significance.

NM_015978.3(TNNI3K):c.590G>A (p.Gly197Asp)

Genes: FPGT-TNNI3K (FPGT-TNNI3K readthrough; plus strand), TNNI3K (TNNI3 interacting kinase; plus strand). Cytogenetic location: 1p31.1.
Variant type: single nucleotide variant.
Coding change: c.590G>A on transcript NM_015978.3 (MANE Select); coding-DNA position 590, G replaced by A.
Protein change: p.Gly197Asp; replaces glycine 197 with aspartic acid.
Molecular consequence: missense variant.
Genome position (GRCh38, 1-based): chr1:74,336,057, G>A. VCF-style: chr1-74336057-G-A. GRCh37 (hg19) VCF-style: chr1-74801741-G-A.
Other names: c.893G>A, p.Gly298Asp (NM_001112808.3, NM_001199327.2); short protein forms G298D, G197D.
Identifiers: ClinVar variation 2894235 (VCV002894235.3), dbSNP rs201682936, ClinGen allele CA908953.
Genomic context (GRCh38, chr1:74,336,057, plus strand): 5'-AATAAATCCTTTAGGTAACTCGCCTTCTTTTGAAATTTGGTGCTGATGTAAATGTAAGTG[G>A]TGAAGTTGGAGATAGACCCCTCCACCTAGCATCTGCAAAAGGATTCTTGAATATTGCAAA-3'
Protein context (NP_057062.1, residues 187-207): LKFGADVNVS[Gly197Asp]EVGDRPLHLA